The following is an entry in ClinVar:

NM_016239.4(MYO15A):c.7520C>T (p.Pro2507Leu)

Gene: MYO15A (myosin XVA; plus strand). Cytogenetic location: 17p11.2.
Variant type: single nucleotide variant.
Coding change: c.7520C>T on transcript NM_016239.4 (MANE Select); coding-DNA position 7520, C replaced by T.
Protein change: p.Pro2507Leu; replaces proline 2507 with leucine.
Molecular consequence: missense variant.
Genome position (GRCh38, 1-based): chr17:18,151,156, C>T. VCF-style: chr17-18151156-C-T. GRCh37 (hg19) VCF-style: chr17-18054470-C-T.
Other names: short protein forms P2507L.
Identifiers: ClinVar variation 3252935 (VCV003252935.1), dbSNP rs761551085.

ClinVar aggregate classification (germline): Uncertain significance (1 of 4 stars; one submission).

Allele frequency attached by ClinVar (database versions not stated): TOPMed below 0.00001.
gnomAD v4.1: 1 of 1,614,030 alleles (0.000062%); highest among the groups gnomAD compares: Admixed American, 0.0017%; no homozygotes.

Submission:

GeneDx
Classification: Uncertain significance. Last evaluated: 2023-06-16. Review status: criteria provided, single submitter. Criteria: GeneDx Variant Classification Process June 2021. Collection method: clinical testing. Allele origin: germline. Affected: yes.
Comment: Not observed at significant frequency in large population cohorts (gnomAD); In silico analysis supports that this missense variant has a deleterious effect on protein structure/function; Has not been previously published as pathogenic or benign to our knowledge